The following is an entry in ClinVar:

ClinVar aggregate classification (germline): Likely pathogenic. Review status: criteria provided, multiple submitters, no conflicts (2 of 4 stars). 3 submissions from 3 submitters: Likely pathogenic (3). Last evaluated 2025-01-23.

Conditions:
Hereditary cancer-predisposing syndrome. Also called: Neoplastic Syndromes, Hereditary; Tumor predisposition; Hereditary Cancer Syndrome; Hereditary neoplastic syndrome. Identifiers: Orphanet 140162, MedGen C0027672, MeSH D009386, MONDO:0015356.
Familial adenomatous polyposis 4 (FAP4). Also called: MSH3-related attenuated familial adenomatous polyposis. Identifiers: Orphanet 480536, MedGen C4310719, MONDO:0044300, OMIM 617100.

Submissions (3):

Labcorp Genetics (formerly Invitae), Labcorp
Classification: Likely pathogenic. Last evaluated: 2025-01-23. Review status: criteria provided, single submitter. Criteria: Invitae Variant Classification Sherloc (09022015). Collection method: clinical testing. Allele origin: germline.
Comment: This sequence change affects a donor splice site in intron 17 of the MSH3 gene. RNA analysis indicates that disruption of this splice site induces altered splicing and may result in an absent or altered protein product. This variant is not present in population databases (gnomAD no frequency). This variant has not been reported in the literature in individuals affected with MSH3-related conditions. ClinVar contains an entry for this variant (Variation ID: 821271). Studies have shown that disruption of this splice site results in skipping of exon 17 and activation of a cryptic splice site, and produces a non-functional protein and/or introduces a premature termination codon (internal data). In summary, the currently available evidence indicates that the variant is pathogenic, but additional data are needed to prove that conclusively. Therefore, this variant has been classified as Likely Pathogenic.

Ambry Genetics
Classification: Likely pathogenic for Hereditary cancer-predisposing syndrome. Last evaluated: 2024-08-09. Review status: criteria provided, single submitter. Criteria: Ambry Variant Classification Scheme 2023. Collection method: clinical testing. Allele origin: germline.
Comment: The c.2435+2T>C intronic variant results from a T to C substitution two nucleotides after coding exon 17 in the MSH3 gene. Alterations that disrupt the canonical splice site are expected to result in aberrant splicing. In silico splice site analysis predicts that this alteration will weaken the native splice donor site. The resulting transcript is predicted to be in-frame and is not expected to trigger nonsense-mediated mRNAdecay; however, direct evidence is unavailable. The exact functional effect of the altered amino acid sequence is unknown; however, based on internal structural analysis, S773_E812del is deleterious. The alteration deletes three important residues (T774, K775, R779) from the clamp domain which are involved in DNA binding (Gupta S et al. Nat Struct Mol Biol, 2011 Dec;19:72-8). This variant is considered to be rare based on population cohorts in the Genome Aggregation Database (gnomAD). This nucleotide position is highly conserved in available vertebrate species. Based on the majority of available evidence to date, this variant is unlikely to be pathogenic.

Myriad Genetics, Inc.
Classification: Likely pathogenic for Familial adenomatous polyposis 4. Last evaluated: 2023-08-30. Review status: criteria provided, single submitter. Criteria: Myriad Autosomal Dominant, Autosomal Recessive and X-Linked Classification Criteria (2023). Collection method: clinical testing. Allele origin: unknown.
Comment: This variant is considered likely pathogenic. This variant occurs within a consensus splice junction and is predicted to result in abnormal mRNA splicing of either an out-of-frame exon or an in-frame exon necessary for protein stability and/or normal function.

Literature cited by the submitters: PubMed 22179786 (cited by Ambry Genetics).

NM_002439.5(MSH3):c.2435+2T>C

Gene: MSH3 (mutS homolog 3; plus strand). Cytogenetic location: 5q14.1.
Variant type: single nucleotide variant.
Coding change: c.2435+2T>C on transcript NM_002439.5 (MANE Select); the canonical splice donor site of the intron after coding-DNA position 2435, T replaced by C.
Molecular consequence: splice donor variant.
Genome position (GRCh38, 1-based): chr5:80,778,838, T>C. VCF-style: chr5-80778838-T-C. GRCh37 (hg19) VCF-style: chr5-80074657-T-C.
Identifiers: ClinVar variation 821271 (VCV000821271.13), dbSNP rs1580045730, ClinGen allele CA360281951.